The following is an entry in ClinVar:

NM_000059.4(BRCA2):c.4713G>C (p.Glu1571Asp)

Gene: BRCA2 (BRCA2 DNA repair associated; plus strand). Cytogenetic location: 13q13.1.
Variant type: single nucleotide variant.
Coding change: c.4713G>C on transcript NM_000059.4 (MANE Select); coding-DNA position 4713, G replaced by C.
Protein change: p.Glu1571Asp; replaces glutamic acid 1571 with aspartic acid.
Molecular consequence: missense variant.
Genome position (GRCh38, 1-based): chr13:32,339,068, G>C. VCF-style: chr13-32339068-G-C. GRCh37 (hg19) VCF-style: chr13-32913205-G-C.
Other names: 4941G>C; short protein forms E1571D.
Identifiers: ClinVar variation 96809 (VCV000096809.13), dbSNP rs431825322, ClinGen allele CA020702.

ClinVar aggregate classification (germline): Conflicting classifications of pathogenicity. Review status: criteria provided, conflicting classifications (1 of 4 stars). 5 submissions from 5 submitters: Uncertain significance (2); Likely benign (1). 2 of the submissions do not count toward it. Last evaluated 2023-12-04.

Conditions:
Hereditary cancer-predisposing syndrome. Also called: Hereditary Cancer Syndrome; Neoplastic Syndromes, Hereditary; Hereditary neoplastic syndrome; Tumor predisposition. Identifiers: Orphanet 140162, MedGen C0027672, MeSH D009386, MONDO:0015356.
Breast-ovarian cancer, familial, susceptibility to, 2 (BROVCA2). Also called: BRCA2 Hereditary Breast and Ovarian Cancer. Identifiers: Orphanet 145, MedGen C2675520, MONDO:0012933, OMIM 612555. Disease mechanism: loss of function.

Allele frequency attached by ClinVar (database versions not stated): gnomAD exomes below 0.00001 and 0.00001; ExAC 0.00002.
gnomAD v4.1: 3 of 1,613,930 alleles (0.00019%); highest among the groups gnomAD compares: Non-Finnish European, 0.00017%; no homozygotes.

Submissions (5):

Color Diagnostics, LLC DBA Color Health
Classification: Uncertain significance for Hereditary cancer-predisposing syndrome. Last evaluated: 2023-12-04. Review status: criteria provided, single submitter. Criteria: ACMG Guidelines, 2015. Collection method: clinical testing. Allele origin: germline.
Comment: This missense variant replaces glutamic acid with aspartic acid at codon 1571 of the BRCA2 protein. Computational prediction suggests that this variant may not impact protein structure and function (internally defined REVEL score threshold <= 0.5, PMID: 27666373). To our knowledge, functional studies have not been reported for this variant. This variant has not been reported in individuals affected with BRCA2-related disorders in the literature. This variant has been identified in 2/251090 chromosomes in the general population by the Genome Aggregation Database (gnomAD). The available evidence is insufficient to determine the role of this variant in disease conclusively. Therefore, this variant is classified as a Variant of Uncertain Significance.

University of Washington Department of Laboratory Medicine, University of Washington
Classification: Likely benign for Hereditary cancer-predisposing syndrome. Last evaluated: 2023-03-23. Review status: criteria provided, single submitter. Criteria: Dines et al. (Genet Med. 2020). Collection method: curation. Allele origin: germline.
Comment: Missense variant in a coldspot region where missense variants are very unlikely to be pathogenic (PMID:31911673).

BRCA2 exon 11 coldspot. Reclassification based on statistical prior probability.

Ambry Genetics
Classification: Uncertain significance for Hereditary cancer-predisposing syndrome. Last evaluated: 2022-12-18. Review status: criteria provided, single submitter. Criteria: Ambry Variant Classification Scheme 2023. Collection method: clinical testing. Allele origin: germline.
Comment: The p.E1571D variant (also known as c.4713G>C), located in coding exon 10 of the BRCA2 gene, results from a G to C substitution at nucleotide position 4713. The glutamic acid at codon 1571 is replaced by aspartic acid, an amino acid with highly similar properties. This amino acid position is not well conserved in available vertebrate species. In addition, this alteration is predicted to be tolerated by in silico analysis. Since supporting evidence is limited at this time, the clinical significance of this alteration remains unclear.

BRCAlab, Lund University
Classification: Uncertain significance for Breast-ovarian cancer, familial, susceptibility to, 2. Last evaluated: 2020-03-02. Review status: no assertion criteria provided. Collection method: clinical testing. Allele origin: germline. Affected: yes. Not counted in ClinVar's aggregate classification.

Sharing Clinical Reports Project (SCRP)
Classification: Uncertain significance for Breast-ovarian cancer, familial 2. Last evaluated: 2012-01-19. Review status: no assertion criteria provided. Collection method: clinical testing. Allele origin: germline. Not counted in ClinVar's aggregate classification.